The following is an entry in ClinVar:

ClinVar aggregate classification (germline): Uncertain significance (1 of 4 stars; one submission).

Submission:

Labcorp Genetics (formerly Invitae), Labcorp
Classification: Uncertain significance. Last evaluated: 2024-12-08. Review status: criteria provided, single submitter. Criteria: Invitae Variant Classification Sherloc (09022015). Collection method: clinical testing. Allele origin: germline.
Comment: This sequence change replaces glutamine, which is neutral and polar, with lysine, which is basic and polar, at codon 203 of the MTOR protein (p.Gln203Lys). This variant is not present in population databases (gnomAD no frequency). This variant has not been reported in the literature in individuals affected with MTOR-related conditions. Invitae Evidence Modeling of protein sequence and biophysical properties (such as structural, functional, and spatial information, amino acid conservation, physicochemical variation, residue mobility, and thermodynamic stability) indicates that this missense variant is not expected to disrupt MTOR protein function with a negative predictive value of 95%. In summary, the available evidence is currently insufficient to determine the role of this variant in disease. Therefore, it has been classified as a Variant of Uncertain Significance.

NM_004958.4(MTOR):c.607C>A (p.Gln203Lys)

Gene: MTOR (mechanistic target of rapamycin kinase; minus strand). Cytogenetic location: 1p36.22.
Variant type: single nucleotide variant.
Coding change: c.607C>A on transcript NM_004958.4 (MANE Select); coding-DNA position 607, C replaced by A.
Protein change: p.Gln203Lys; replaces glutamine 203 with lysine.
Molecular consequence: missense variant. On other transcripts: 5 prime UTR variant (1).
Genome position (GRCh38, 1-based): chr1:11,256,090, G>T on the plus strand (C>A on the coding strand, the complement: MTOR is on the minus strand). VCF-style: chr1-11256090-G-T. GRCh37 (hg19) VCF-style: chr1-11316147-G-T.
Other names: c.607C>A, p.Gln203Lys (NM_001386500.1); c.-533C>A (NM_001386501.1); short protein forms Q203K.
Identifiers: ClinVar variation 3633506 (VCV003633506.2).